The following is an entry in ClinVar:

ClinVar aggregate classification (germline): Likely pathogenic (1 of 4 stars; one submission).

Conditions:
Peroxisome biogenesis disorder 4A (Zellweger) (PBD4A). Also called: Zellweger syndrome spectrum (PEX6-related). Identifiers: Orphanet 912, MedGen C3553936, MONDO:0013930, OMIM 614862. Disease mechanism: loss of function.

Submission:

Myriad Genetics, Inc.
Classification: Likely pathogenic for Peroxisome biogenesis disorder 4A (Zellweger). Last evaluated: 2021-12-08. Review status: criteria provided, single submitter. Criteria: Myriad Women's Health Autosomal Recessive and X-Linked Classification Criteria (2021). Collection method: clinical testing. Allele origin: unknown.
Comment: NM_000287.3(PEX6):c.1402_1403delCT(L468Tfs*17) is expected to be pathogenic in the context of peroxisome biogenesis disorder type 4. This variant is predicted to lead to an abnormal or absent protein product due to the creation of a premature termination codon in PEX6, a gene where loss-of-function variants are known to be pathogenic. Please note: this variant was assessed in the context of healthy population screening.

NM_000287.4(PEX6):c.1402_1403del (p.Leu468fs)

Gene: PEX6 (peroxisomal biogenesis factor 6; minus strand). Cytogenetic location: 6p21.1.
Variant type: Deletion.
Coding change: c.1402_1403del on transcript NM_000287.4 (MANE Select); coding-DNA positions 1402 to 1403, 2 bases deleted (CT; older notation c.1402_1403delCT).
Protein change: p.Leu468fs; shifts the reading frame from leucine 468.
Molecular consequence: frameshift variant. On other transcripts: non-coding transcript variant (1).
Genome position (GRCh38, 1-based): chr6:42,968,950-42,968,951, AG deleted on the plus strand (CT on the coding strand, the reverse complement: PEX6 is on the minus strand); deleting any 2 consecutive bases within chr6:42,968,950-42,968,952 gives the same sequence; the c. name uses the placement nearest the transcript's 3' end. VCF-style (leftmost placement, unchanged base first): chr6-42968949-TAG-T. GRCh37 (hg19) VCF-style: chr6-42936687-TAG-T.
Other names: c.1138_1139del, p.Leu380fs (NM_001316313.2); short protein forms L380fs, L468fs.
Identifiers: ClinVar variation 1726080 (VCV001726080.2), dbSNP rs2481229205, ClinGen allele CA2580074555.